The following is an entry in ClinVar:

NM_001167.4(XIAP):c.1268A>C (p.Gln423Pro)

Gene: XIAP (X-linked inhibitor of apoptosis; plus strand). Cytogenetic location: Xq25.
Variant type: single nucleotide variant.
Coding change: c.1268A>C on transcript NM_001167.4 (MANE Select); coding-DNA position 1268, A replaced by C.
Protein change: p.Gln423Pro; replaces glutamine 423 with proline.
Molecular consequence: missense variant. On other transcripts: non-coding transcript variant (2).
Genome position (GRCh38, 1-based): chrX:123,900,661, A>C. VCF-style: chrX-123900661-A-C. GRCh37 (hg19) VCF-style: chrX-123034511-A-C.
Other names: c.1268A>C, p.Gln423Pro (NM_001204401.2, NM_001378590.1, NM_001378591.1 and 1 more transcripts); short protein forms Q423P.
Identifiers: ClinVar variation 257589 (VCV000257589.44), dbSNP rs5956583, ClinGen allele CA10508167.

ClinVar aggregate classification (germline): Benign/Likely benign. Review status: criteria provided, multiple submitters, no conflicts (2 of 4 stars). 16 submissions from 16 submitters: Benign (13); Likely benign (1). 2 of the submissions do not count toward it. Last evaluated 2026-02-04.

Conditions:
Autoinflammatory syndrome. Identifiers: Orphanet 93665, MedGen C3890737, MONDO:0019751.
X-linked lymphoproliferative disease due to XIAP deficiency. Also called: XIAP DEFICIENCY; XIAP-Related Lymphoproliferative Disease, X-Linked. Identifiers: Orphanet 2442, Orphanet 538934, MedGen C1845076, MONDO:0010385, OMIM 300635.

Allele frequency attached by ClinVar (database versions not stated): 1000 Genomes Project 0.30358; 1000 Genomes Project 30x 0.31446; gnomAD exomes 0.33258 and 0.35715; ExAC 0.33336; gnomAD 0.38048 and 0.38953; TOPMed 0.38675; ESP Exome Variant Server 0.39657.
gnomAD v4.1: 433,707 of 1,208,247 alleles (36%); highest among the groups gnomAD compares: African/African-American, 47%; 55,380 homozygotes.

Submissions (16):

Labcorp Genetics (formerly Invitae), Labcorp
Classification: Benign for X-linked lymphoproliferative disease due to XIAP deficiency. Last evaluated: 2026-02-04. Review status: criteria provided, single submitter. Criteria: Invitae Variant Classification Sherloc (09022015). Collection method: clinical testing. Allele origin: germline.

ARUP Laboratories, Molecular Genetics and Genomics, ARUP Laboratories
Classification: Benign for X-linked lymphoproliferative disease due to XIAP deficiency. Last evaluated: 2025-07-25. Review status: criteria provided, single submitter. Criteria: ARUP Molecular Germline Variant Investigation Process 2024. Collection method: clinical testing. Allele origin: germline.

Blueprint Genetics
Classification: Likely benign. Last evaluated: 2024-11-28. Review status: criteria provided, single submitter. Criteria: ACMG Guidelines, 2015. Collection method: clinical testing. Allele origin: germline.

Unidad de Genómica Garrahan, Hospital de Pediatría Garrahan
Classification: Benign. Last evaluated: 2023-11-12. Review status: criteria provided, single submitter. Criteria: ACMG Guidelines, 2015. Collection method: clinical testing. Allele origin: germline. Affected: no. Observed: 33 variant alleles.
Comment: This variant is classified as Benign based on local population frequency. This variant was detected in 34% of patients studied by a panel of primary immunodeficiencies. Number of patients: 33. Only high quality variants are reported.

Genome Diagnostics Laboratory, The Hospital for Sick Children
Classification: Benign for Autoinflammatory syndrome. Last evaluated: 2022-01-14. Review status: criteria provided, single submitter. Criteria: ACMG Guidelines, 2015. Collection method: clinical testing. Allele origin: germline. Affected: yes.

Genome-Nilou Lab
Classification: Benign for X-linked lymphoproliferative disease due to XIAP deficiency. Last evaluated: 2021-12-05. Review status: criteria provided, single submitter. Criteria: ACMG Guidelines, 2015. Collection method: clinical testing. Allele origin: germline. Affected: no.

Mendelics
Classification: Benign for X-linked lymphoproliferative disease due to XIAP deficiency. Last evaluated: 2019-05-28. Review status: criteria provided, single submitter. Criteria: Mendelics Assertion Criteria 2017. Collection method: clinical testing. Allele origin: unknown.

GeneDx
Classification: Benign. Last evaluated: 2018-08-28. Review status: criteria provided, single submitter. Criteria: GeneDx Variant Classification Process June 2021. Collection method: clinical testing. Allele origin: germline. Affected: yes.
Comment: This variant is associated with the following publications: (PMID: 29248579, 19877056)

Eurofins Ntd Llc (ga)
Classification: Benign. Last evaluated: 2018-04-05. Review status: criteria provided, single submitter. Criteria: EGL ClinVar v180209 classification definitions. Collection method: clinical testing. Allele origin: germline. Observed: 61 variant alleles, 34 heterozygotes, 9 homozygotes, 18 hemizygotes.

Mayo Clinic Laboratories, Mayo Clinic
Classification: Benign. Last evaluated: 2018-03-20. Review status: criteria provided, single submitter. Criteria: ACMG Guidelines, 2015. Collection method: clinical testing. Allele origin: germline. Observed: 645 variant alleles.

Illumina Laboratory Services, Illumina
Classification: Benign for X-linked lymphoproliferative disease due to XIAP deficiency. Last evaluated: 2017-04-27. Review status: criteria provided, single submitter. Criteria: ICSL Variant Classification Criteria 13 December 2019. Collection method: clinical testing. Allele origin: germline.
Comment: This variant was observed as part of a predisposition screen in an ostensibly healthy population. A literature search was performed for the gene, cDNA change, and amino acid change (where applicable). No publications were found based on this search. Allele frequency data from public databases was too high to be consistent with this variant causing disease. Therefore, this variant is classified as benign.

Laboratory for Molecular Medicine, Mass General Brigham Personalized Medicine
Classification: Benign. Last evaluated: 2016-03-28. Review status: criteria provided, single submitter. Criteria: LMM Criteria. Collection method: clinical testing. Allele origin: germline.
Comment: Variant identified in a genome or exome case(s) and assessed due to predicted null impact of the variant or pathogenic assertions in the literature or databases. Disclaimer: This variant has not undergone full assessment. The following are preliminary notes: Frequency

Breakthrough Genomics
Classification: Benign. Review status: criteria provided, single submitter. Criteria: ACMG Guidelines, 2015. Collection method: not provided. Allele origin: germline. Inheritance: X-linked inheritance. Affected: yes.

PreventionGenetics, part of Exact Sciences
Classification: Benign. Review status: criteria provided, single submitter. Criteria: ACMG Guidelines, 2015. Collection method: clinical testing. Allele origin: germline.

Diagnostic Laboratory, Department of Genetics, University Medical Center Groningen
Classification: Benign for X-linked lymphoproliferative disease due to XIAP deficiency. Review status: no assertion criteria provided. Collection method: clinical testing. Allele origin: germline. Affected: yes. Study: VKGL Data-share Consensus. Not counted in ClinVar's aggregate classification.

Genome Diagnostics Laboratory, University Medical Center Utrecht
Classification: Likely benign. Review status: no assertion criteria provided. Collection method: clinical testing. Allele origin: germline. Affected: yes. Study: VKGL Data-share Consensus. Not counted in ClinVar's aggregate classification.